The following is an entry in ClinVar:

ClinVar aggregate classification (germline): Uncertain significance (1 of 4 stars; one submission).

Conditions:
Autosomal dominant nonsyndromic hearing loss 1. Also called: KONIGSMARK SYNDROME; DEAFNESS, AUTOSOMAL DOMINANT 1, WITH OR WITHOUT THROMBOCYTOPENIA. Identifiers: Orphanet 90635, MedGen C1852282, MONDO:0007424, OMIM 124900.
Progressive microcephaly-seizures-cortical blindness-developmental delay syndrome. Also called: Seizures, cortical blindness, and microcephaly syndrome. Identifiers: Orphanet 477814, MedGen C5567650, MONDO:0014714, OMIM 616632.

Allele frequency attached by ClinVar (database versions not stated): ExAC 0.00002; gnomAD exomes 0.00002; TOPMed 0.00002; gnomAD 0.00003.
gnomAD v4.1: 27 of 1,612,270 alleles (0.0017%); highest among the groups gnomAD compares: Non-Finnish European, 0.002%; no homozygotes.

Submission:

Labcorp Genetics (formerly Invitae), Labcorp
Classification: Uncertain significance for Progressive microcephaly-seizures-cortical blindness-developmental delay syndrome; Autosomal dominant nonsyndromic hearing loss 1. Last evaluated: 2025-12-16. Review status: criteria provided, single submitter. Criteria: Invitae Variant Classification Sherloc (09022015). Collection method: clinical testing. Allele origin: germline.
Comment: This sequence change replaces aspartic acid, which is acidic and polar, with asparagine, which is neutral and polar, at codon 210 of the DIAPH1 protein (p.Asp210Asn). This variant is present in population databases (rs749058990, gnomAD 0.006%). This variant has not been reported in the literature in individuals affected with DIAPH1-related conditions. ClinVar contains an entry for this variant (Variation ID: 945910). Experimental studies and prediction algorithms are not available or were not evaluated, and the functional significance of this variant is currently unknown. In summary, the available evidence is currently insufficient to determine the role of this variant in disease. Therefore, it has been classified as a Variant of Uncertain Significance.

NM_005219.5(DIAPH1):c.628G>A (p.Asp210Asn)

Gene: DIAPH1 (diaphanous related formin 1; minus strand). Cytogenetic location: 5q31.3.
Variant type: single nucleotide variant.
Coding change: c.628G>A on transcript NM_005219.5 (MANE Select); coding-DNA position 628, G replaced by A.
Protein change: p.Asp210Asn; replaces aspartic acid 210 with asparagine.
Molecular consequence: missense variant.
Genome position (GRCh38, 1-based): chr5:141,582,368, C>T on the plus strand (G>A on the coding strand, the complement: DIAPH1 is on the minus strand). VCF-style: chr5-141582368-C-T. GRCh37 (hg19) VCF-style: chr5-140961935-C-T.
Other names: c.601G>A, p.Asp201Asn (NM_001079812.3); c.628G>A, p.Asp210Asn (NM_001314007.2); short protein forms D201N, D210N.
Identifiers: ClinVar variation 945910 (VCV000945910.10), dbSNP rs749058990, ClinGen allele CA3479530.